The following is an entry in ClinVar:

ClinVar aggregate classification (germline): Pathogenic (1 of 4 stars; one submission).

Conditions:
Intellectual developmental disorder, FRA12A type. Also called: Intellectual disability, FRA12A type. Identifiers: MedGen C1969893, MONDO:0007634, OMIM 136630.

Submission:

Medical Genetics Clinic, University of Catania
Classification: Pathogenic for Intellectual developmental disorder, FRA12A type. Last evaluated: 2026-06-30. Review status: criteria provided, single submitter. Criteria: ACMG Guidelines, 2015. Collection method: clinical testing. Allele origin: unknown. Inheritance: Autosomal dominant inheritance. Affected: yes. Observed: 1 variant allele, 1 heterozygote.
Comment: The c.4177-2A>G variant in the DIP2B gene is absent from the gnomAD reference population database. The variant substitutes a nucleotide within a canonical splice site and is therefore likely to result in aberrant splicing. Disruption of a canonical splice site typically leads to a loss of protein function. In silico predition tools suggest it may have a detrimental effect on the structure/activity of the protein (MutationTaster: disease causing). SpliceAI predicts a high-confidence disruption of the canonical splice acceptor site (acceptor loss score: 0.99) and activation of a cryptic acceptor site (acceptor gain score: 0.86). Pangolin provides a concordant prediction of splice-site loss (score: 0.88) and possible activation of an alternative splice site (score: 0.56). The predicted consequences include exon 36 skipping or use of alternative acceptor sites, resulting in a frameshift and premature termination codon or partial intron retention introducing a premature stop codon. Additional in silico predictors support a deleterious effect of the variant, including a CADD PHRED score of 35.0 and strongly positive dbscSNV AdaBoost and Random Forest scores of 0.99999 and 0.93, respectively. These predictions are concordant with disruption of the canonical splice acceptor site. These findings support a deleterious effect on RNA splicing. In the light of the above and the clinical features we observed the c.4177-2A>G variant in the DIP2B gene has been classified as a Pathogenic variant.

NM_173602.3(DIP2B):c.4177-2A>G

Gene: DIP2B (DIP2 acetate--CoA ligase B (putative); plus strand). Cytogenetic location: 12q13.12.
Variant type: single nucleotide variant.
Coding change: c.4177-2A>G on transcript NM_173602.3 (MANE Select); the canonical splice acceptor site of the intron before coding-DNA position 4177, A replaced by G.
Molecular consequence: splice acceptor variant.
Genome position (GRCh38, 1-based): chr12:50,739,407, A>G. VCF-style: chr12-50739407-A-G. GRCh37 (hg19) VCF-style: chr12-51133190-A-G.
Identifiers: ClinVar variation 4974951 (VCV004974951.1).
Genomic context (GRCh38, chr12:50,739,407, plus strand): 5'-CCAAGAGAATTAATACAGTTGTGTGTCCCCAGTGAGTTGTGATCAAAGCACTTTTCTTGT[A>G]GATTTGGGTGAACAGTCCCCATACAGCCAGCGGCTACTACACCATCTATGATAGCGAGAC-3'